The following is an entry in ClinVar:

ClinVar aggregate classification (germline): Pathogenic/Likely pathogenic. Review status: criteria provided, multiple submitters, no conflicts (2 of 4 stars). 6 submissions from 6 submitters: Pathogenic (4); Likely pathogenic (2). Last evaluated 2026-08-06.

Conditions:
SLC52A2-related disorder. Also called: SLC52A2-related condition.
Inborn genetic diseases. Identifiers: MedGen C0950123, MeSH D030342.
Brown-Vialetto-van Laere syndrome 2. Also called: SPINOCEREBELLAR ATAXIA WITH BLINDNESS AND DEAFNESS 2; Riboflavin transporter deficiency type 2. Identifiers: Orphanet 572543, Orphanet 97229, MedGen C3553538, MONDO:0013867, OMIM 614707.

Allele frequency attached by ClinVar (database versions not stated): gnomAD exomes 0.00001; ExAC 0.00002; gnomAD 0.00004 and 0.00005; TOPMed 0.00006; ESP Exome Variant Server 0.00015.

Submissions (6):

GeneDx
Classification: Pathogenic. Last evaluated: 2026-08-06. Review status: criteria provided, single submitter. Criteria: GeneDx Variant Classification Process June 2021. Collection method: clinical testing. Allele origin: germline.
Comment: Observed in unrelated individuals referred for genetic testing at GeneDx and in published literature who also harbored a second pathogenic SLC52A2 variant, but it is not known whether the variants occurred on the same (in cis) or on different (in trans) chromosomes in some cases (PMID: 25356970); Published functional studies demonstrate a damaging effect on riboflavin transport activity (PMID: 34428344); In silico analysis supports that this missense variant has a deleterious effect on protein structure/function; Not observed at significant frequency in large population cohorts (gnomAD); This variant is associated with the following publications: (PMID: 33929122, 34428344, 27518768, 40307217, 38535129, 25356970, 29053833, 33258288, Marques2024[CaseReport], Yilmaz2023[Article])

Laboratorio de Genetica e Diagnostico Molecular, Hospital Israelita Albert Einstein
Classification: Likely pathogenic for Brown-Vialetto-van Laere syndrome 2. Last evaluated: 2026-02-12. Review status: criteria provided, single submitter. Criteria: ACMG Guidelines, 2015. Collection method: clinical testing. Allele origin: germline. Affected: yes.
Comment: ACMG classification criteria: PS3 supporting, PM2 supporting, PM3 strong, PP3 supporting

Labcorp Genetics (formerly Invitae), Labcorp
Classification: Pathogenic for Brown-Vialetto-van Laere syndrome 2. Last evaluated: 2025-12-16. Review status: criteria provided, single submitter. Criteria: Invitae Variant Classification Sherloc (09022015). Collection method: clinical testing. Allele origin: germline.
Comment: This sequence change replaces serine, which is neutral and polar, with leucine, which is neutral and non-polar, at codon 128 of the SLC52A2 protein (p.Ser128Leu). This variant is present in population databases (rs374071862, gnomAD 0.008%). This missense change has been observed in individual(s) with clinical features of Brown-Vialetto-Van Laere syndrome (PMID: 25356970, 27518768, 29053833, 33258288; internal data). In at least one individual the data is consistent with being in trans (on the opposite chromosome) from a pathogenic variant. ClinVar contains an entry for this variant (Variation ID: 210038). Invitae Evidence Modeling of protein sequence and biophysical properties (such as structural, functional, and spatial information, amino acid conservation, physicochemical variation, residue mobility, and thermodynamic stability) indicates that this missense variant is expected to disrupt SLC52A2 protein function with a positive predictive value of 95%. Experimental studies have shown that this missense change affects SLC52A2 function (PMID: 34428344). For these reasons, this variant has been classified as Pathogenic.

PreventionGenetics, part of Exact Sciences
Classification: Likely pathogenic for SLC52A2-related condition. Last evaluated: 2025-10-27. Review status: criteria provided, single submitter. Criteria: ACMG Guidelines, 2015. Collection method: clinical testing. Allele origin: germline.
Comment: The SLC52A2 c.383C>T variant is predicted to result in the amino acid substitution p.Ser128Leu. This variant was reported in the homozygous and compound heterozygous state in three individuals with Brown-Vialetto-Van Laere syndrome (described as p.S218L, Table S3, Farwell et al. 2015. PubMed ID: 25356970; Manole et al. 2017. PubMed ID: 29053833; Suplemental Data, Quaio et al. 2020. PubMed ID: 33258288). Functional in vitro studies found this variant results in decreased riboflavin uptake (Console et al. 2021. PubMed ID: 34428344). This variant is reported in 0.0080% of alleles in individuals of African descent in gnomAD. This variant is interpreted as likely pathogenic.

Ambry Genetics
Classification: Pathogenic for Inborn genetic diseases. Last evaluated: 2020-01-17. Review status: criteria provided, single submitter. Criteria: Ambry Variant Classification Scheme 2023. Collection method: clinical testing. Allele origin: germline.
Comment: The p.S128L pathogenic mutation (also known as c.383C>T), located in coding exon 2 of the SLC52A2 gene, results from a C to T substitution at nucleotide position 383. The serine at codon 128 is replaced by leucine, an amino acid with dissimilar properties. This alteration has been reported in two patients with Brown-Vialetto-Van Laere (BVVL) syndrome and confirmed to be in trans with another pathogenic mutation in an affected patient (Farwell KD et al. Genet. Med., 2015 Jul;17:578-86; Manole A et al. Brain, 2017 11;140:2820-2837). This variant is rare in population-based cohorts with an overall frequency of approximately 0.002% (6/282600) in the Genome Aggregation Database (gnomAD). In addition, this alteration is predicted to be deleterious by in silico analysis. Based on the supporting evidence, this alteration is interpreted as a disease-causing mutation.

Mendelics
Classification: Pathogenic for Brown-Vialetto-van Laere syndrome 2. Last evaluated: 2019-05-28. Review status: criteria provided, single submitter. Criteria: Mendelics Assertion Criteria 2017. Collection method: clinical testing. Allele origin: unknown.

Literature cited by the submitters: PubMed 25356970 (cited by Labcorp Genetics (formerly Invitae), Labcorp and Ambry Genetics); PubMed 27518768 (cited by Labcorp Genetics (formerly Invitae), Labcorp); PubMed 29053833 (cited by Labcorp Genetics (formerly Invitae), Labcorp and Ambry Genetics); PubMed 33258288 (cited by Labcorp Genetics (formerly Invitae), Labcorp); PubMed 34428344 (cited by Labcorp Genetics (formerly Invitae), Labcorp).

NM_001363118.2(SLC52A2):c.383C>T (p.Ser128Leu)

Gene: SLC52A2 (solute carrier family 52 member 2; plus strand). Cytogenetic location: 8q24.3.
Variant type: single nucleotide variant.
Coding change: c.383C>T on transcript NM_001363118.2 (MANE Select); coding-DNA position 383, C replaced by T.
Protein change: p.Ser128Leu; replaces serine 128 with leucine.
Molecular consequence: missense variant. On other transcripts: non-coding transcript variant (1), intron variant (1).
Genome position (GRCh38, 1-based): chr8:144,359,875, C>T. VCF-style: chr8-144359875-C-T. GRCh37 (hg19) VCF-style: chr8-145583535-C-T.
Other names: c.383C>T, p.Ser128Leu (NM_001253815.2, NM_001253816.2, NM_001363120.2 and 2 more transcripts); c.131-240C>T (NM_001363122.2); c.383C>T (NM_001253816.1); short protein forms S128L.
Identifiers: ClinVar variation 210038 (VCV000210038.18), dbSNP rs374071862, ClinGen allele CA347010.